The following is an entry in ClinVar:

NM_001846.4(COL4A2):c.1987dup (p.Thr663fs)

Gene: COL4A2 (collagen type IV alpha 2 chain; plus strand). Cytogenetic location: 13q34.
Variant type: Duplication.
Coding change: c.1987dup on transcript NM_001846.4 (MANE Select); coding-DNA position 1987, one base duplicated (A; older notation c.1987dupA).
Protein change: p.Thr663fs; shifts the reading frame from threonine 663.
Molecular consequence: frameshift variant.
Genome position (GRCh38, 1-based): chr13:110,466,011, A duplicated. VCF-style (leftmost placement, unchanged base first): chr13-110466010-C-CA. GRCh37 (hg19) VCF-style: chr13-111118357-C-CA.
Other names: short protein forms T663fs.
Identifiers: ClinVar variation 2498586 (VCV002498586.28), dbSNP rs1882225878, ClinGen allele CA484799953.

ClinVar aggregate classification (germline): Likely pathogenic (1 of 4 stars; one submission).

Allele frequency attached by ClinVar (database versions not stated): TOPMed below 0.00001.

Submission:

CeGaT Center for Human Genetics Tuebingen
Classification: Likely pathogenic. Last evaluated: 2023-03-01. Review status: criteria provided, single submitter. Criteria: CeGaT Center For Human Genetics Tuebingen Variant Classification Criteria Version 2. Collection method: clinical testing. Allele origin: germline. Affected: yes. Observed: 2 variant alleles.
Comment: COL4A2: PVS1:Strong, PM2